The following is an entry in ClinVar:

ClinVar aggregate classification (germline): Conflicting classifications of pathogenicity. Review status: criteria provided, conflicting classifications (1 of 4 stars). 12 submissions from 12 submitters: Uncertain significance (1); Benign (3); Likely benign (7). 1 of the submissions does not count toward it. Last evaluated 2025-12-28.

Conditions:
BARD1-related disorder. Also called: BARD1-related condition.
BARD1-related cancer predisposition. Identifiers: MedGen CN377756, MONDO:0700267.
Hereditary cancer-predisposing syndrome. Also called: Tumor predisposition; Hereditary Cancer Syndrome; Hereditary neoplastic syndrome; Neoplastic Syndromes, Hereditary. Identifiers: Orphanet 140162, MedGen C0027672, MeSH D009386, MONDO:0015356.
Familial cancer of breast. Also called: BREAST CANCER, FAMILIAL; Hereditary breast cancer; hereditary breast carcinoma. Identifiers: Orphanet 227535, MedGen C0346153, MONDO:0016419, OMIM 114480. Disease mechanism: loss of function.

Allele frequency attached by ClinVar (database versions not stated): gnomAD exomes 0.00002 and 0.00003; gnomAD 0.00004; TOPMed 0.00004; ExAC 0.00005; ESP Exome Variant Server 0.00008.
gnomAD v4.1: 40 of 1,613,884 alleles (0.0025%); highest among the groups gnomAD compares: South Asian, 0.0055%; no homozygotes.

Submissions (12):

Labcorp Genetics (formerly Invitae), Labcorp
Classification: Likely benign for Familial cancer of breast. Last evaluated: 2025-12-28. Review status: criteria provided, single submitter. Criteria: Invitae Variant Classification Sherloc (09022015). Collection method: clinical testing. Allele origin: germline.

Department of Pathology and Laboratory Medicine, Sinai Health System
Classification: Likely benign for BARD1-related cancer predisposition. Last evaluated: 2025-02-14. Review status: criteria provided, single submitter. Criteria: ACMG Guidelines, 2015. Collection method: clinical testing. Allele origin: germline.

Women's Health and Genetics/Laboratory Corporation of America, LabCorp
Classification: Likely benign. Last evaluated: 2024-12-06. Review status: criteria provided, single submitter. Criteria: LabCorp Variant Classification Summary - May 2015. Collection method: clinical testing. Allele origin: germline.

Myriad Genetics, Inc.
Classification: Benign for Familial cancer of breast. Last evaluated: 2024-07-25. Review status: criteria provided, single submitter. Criteria: Myriad Autosomal Dominant, Autosomal Recessive and X-Linked Classification Criteria (2023). Collection method: clinical testing. Allele origin: unknown.
Comment: This variant is considered benign. This variant is a silent/synonymous amino acid change and it is not expected to impact splicing.

KCCC/NGS Laboratory, Kuwait Cancer Control Center
Classification: Benign for Familial cancer of breast. Last evaluated: 2023-07-07. Review status: criteria provided, single submitter. Criteria: ACMG Guidelines, 2015. Collection method: clinical testing. Allele origin: germline. Affected: yes.

Sema4
Classification: Likely benign for Hereditary cancer-predisposing syndrome. Last evaluated: 2021-04-30. Review status: criteria provided, single submitter. Criteria: Sema4 Curation Guidelines. Collection method: curation. Allele origin: germline.

Quest Diagnostics Nichols Institute San Juan Capistrano
Classification: Likely benign. Last evaluated: 2019-07-08. Review status: criteria provided, single submitter. Criteria: Quest Diagnostics criteria. Collection method: clinical testing. Allele origin: germline.

Illumina Laboratory Services, Illumina
Classification: Uncertain significance for Familial cancer of breast. Last evaluated: 2017-04-27. Review status: criteria provided, single submitter. Criteria: ICSL Variant Classification Criteria 13 December 2019. Collection method: clinical testing. Allele origin: germline.

Color Diagnostics, LLC DBA Color Health
Classification: Likely benign for Hereditary cancer-predisposing syndrome. Last evaluated: 2015-08-14. Review status: criteria provided, single submitter. Criteria: ACMG Guidelines, 2015. Collection method: clinical testing. Allele origin: germline.

GeneDx
Classification: Benign. Last evaluated: 2015-03-26. Review status: criteria provided, single submitter. Criteria: GeneDx Variant Classification (06012015). Collection method: clinical testing. Allele origin: germline. Affected: yes.
Comment: This variant is considered likely benign or benign based on one or more of the following criteria: it is a conservative change, it occurs at a poorly conserved position in the protein, it is predicted to be benign by multiple in silico algorithms, and/or has population frequency not consistent with disease.

Ambry Genetics
Classification: Likely benign for Hereditary cancer-predisposing syndrome. Last evaluated: 2014-12-18. Review status: criteria provided, single submitter. Criteria: Ambry Variant Classification Scheme 2023. Collection method: clinical testing. Allele origin: germline.

PreventionGenetics, part of Exact Sciences
Classification: Likely benign for BARD1-related condition. Last evaluated: 2019-05-24. Review status: no assertion criteria provided. Collection method: clinical testing. Allele origin: germline. Not counted in ClinVar's aggregate classification.
Comment: This variant is classified as likely benign based on ACMG/AMP sequence variant interpretation guidelines (Richards et al. 2015 PMID: 25741868, with internal and published modifications).

NM_000465.4(BARD1):c.1473G>A (p.Gly491=)

Gene: BARD1 (BRCA1 associated RING domain 1; minus strand). Cytogenetic location: 2q35.
Variant type: single nucleotide variant.
Coding change: c.1473G>A on transcript NM_000465.4 (MANE Select); coding-DNA position 1473, G replaced by A.
Protein change: p.Gly491=; no amino-acid change (glycine 491 retained).
Molecular consequence: synonymous variant. On other transcripts: non-coding transcript variant (3), intron variant (3).
Genome position (GRCh38, 1-based): chr2:214,767,577, C>T on the plus strand (G>A on the coding strand, the complement: BARD1 is on the minus strand). VCF-style: chr2-214767577-C-T. GRCh37 (hg19) VCF-style: chr2-215632301-C-T.
Other names: c.1416G>A, p.Gly472= (NM_001282543.2); c.159-15022G>A (NM_001282548.2); c.216-15022G>A (NM_001282545.2); c.364+24720G>A (NM_001282549.2).
Identifiers: ClinVar variation 184095 (VCV000184095.33), dbSNP rs151080730, ClinGen allele CA187765.
Genomic context (GRCh38, chr2:214,767,577, plus strand): 5'-CTTGACTATATCCACATGCCCATTCTTGGCTGCATCGTGAAGTGGTGAGTCATTTTGATA[C>T]CCGGTGGTGTTCACCAATGCCTTATGCTGGAGCAATAATTCCACTACCTTCAGGTGCCCA-3'
Protein context (NP_000456.2, residues 481-501): LQHKALVNTT[Gly491=]YQNDSPLHDA